The following is an entry in ClinVar:

ClinVar aggregate classification (germline): Uncertain significance (1 of 4 stars; one submission).

Conditions:
EPG5-related disorder. Also called: EPG5-related condition. Identifiers: MedGen CN381528.

gnomAD v4.1: 4 of 1,613,990 alleles (0.00025%); highest among the groups gnomAD compares: Middle Eastern, 0.016%; no homozygotes.

Submission:

PreventionGenetics, part of Exact Sciences
Classification: Uncertain significance for EPG5-related condition. Last evaluated: 2026-06-05. Review status: criteria provided, single submitter. Criteria: ACMG Guidelines, 2015. Collection method: clinical testing. Allele origin: germline.
Comment: The EPG5 c.5851A>G variant is predicted to result in the amino acid substitution p.Thr1951Ala. To our knowledge, this variant has not been reported in the literature. This variant is reported in 0.0083% of alleles in individuals of African descent in gnomAD. At this time, the clinical significance of this variant is uncertain due to the absence of conclusive functional and genetic evidence.

NM_020964.3(EPG5):c.5851A>G (p.Thr1951Ala)

Gene: EPG5 (ectopic P-granules 5 autophagy tethering factor; minus strand). Cytogenetic location: 18q12.3.
Variant type: single nucleotide variant.
Coding change: c.5851A>G on transcript NM_020964.3 (MANE Select); coding-DNA position 5851, A replaced by G.
Protein change: p.Thr1951Ala; replaces threonine 1951 with alanine.
Molecular consequence: missense variant.
Genome position (GRCh38, 1-based): chr18:45,879,031, T>C on the plus strand (A>G on the coding strand, the complement: EPG5 is on the minus strand). VCF-style: chr18-45879031-T-C. GRCh37 (hg19) VCF-style: chr18-43458996-T-C.
Other names: c.5851A>G, p.Thr1951Ala (NM_001410858.1, NM_001410859.1); short protein forms T1951A.
Identifiers: ClinVar variation 4988273 (VCV004988273.1).